The following is an entry in ClinVar:

ClinVar aggregate classification (germline): Likely pathogenic (1 of 4 stars; one submission).

Allele frequency attached by ClinVar (database versions not stated): ExAC 0.00009.
gnomAD v4.1: 59 of 1,605,280 alleles (0.0037%); highest among the groups gnomAD compares: East Asian, 0.016%; no homozygotes.

Submission:

Labcorp Genetics (formerly Invitae), Labcorp
Classification: Likely pathogenic. Last evaluated: 2022-06-07. Review status: criteria provided, single submitter. Criteria: Invitae Variant Classification Sherloc (09022015). Collection method: clinical testing. Allele origin: germline.
Comment: Algorithms developed to predict the effect of missense changes on protein structure and function are either unavailable or do not agree on the potential impact of this missense change (SIFT: "Deleterious"; PolyPhen-2: "Probably Damaging"; Align-GVGD: "Class C0"). Experimental studies are conflicting or provide insufficient evidence to determine the effect of this variant on SLC22A12 function (PMID: 15327384, 23386035). This variant disrupts the p.Arg477 amino acid residue in SLC22A12. Other variant(s) that disrupt this residue have been observed in individuals with SLC22A12-related conditions (PMID: 18492088), which suggests that this may be a clinically significant amino acid residue. In summary, the currently available evidence indicates that the variant is pathogenic, but additional data are needed to prove that conclusively. Therefore, this variant has been classified as Likely Pathogenic. This missense change has been observed in individual(s) with renal hypouricemia (PMID: 15912381, 23386035, 31591475). In at least one individual the data is consistent with being in trans (on the opposite chromosome) from a pathogenic variant. This sequence change replaces arginine, which is basic and polar, with histidine, which is basic and polar, at codon 477 of the SLC22A12 protein (p.Arg477His). This variant is present in population databases (rs773677616, gnomAD 0.01%).

Literature cited by the submitters: PubMed 15327384; PubMed 23386035; PubMed 18492088; PubMed 15912381; PubMed 31591475.

NM_144585.4(SLC22A12):c.1430G>A (p.Arg477His)

Gene: SLC22A12 (solute carrier family 22 member 12; plus strand). Cytogenetic location: 11q13.1.
Variant type: single nucleotide variant.
Coding change: c.1430G>A on transcript NM_144585.4 (MANE Select); coding-DNA position 1430, G replaced by A.
Protein change: p.Arg477His; replaces arginine 477 with histidine.
Molecular consequence: missense variant.
Genome position (GRCh38, 1-based): chr11:64,600,770, G>A. VCF-style: chr11-64600770-G-A. GRCh37 (hg19) VCF-style: chr11-64368242-G-A.
Other names: c.1328G>A, p.Arg443His (NM_001276326.2); c.1106G>A, p.Arg369His (NM_001276327.2); c.767G>A, p.Arg256His (NM_153378.3); short protein forms R256H, R443H, R369H, R477H.
Identifiers: ClinVar variation 2137128 (VCV002137128.4), dbSNP rs773677616, ClinGen allele CA6077457.